The following is an entry in ClinVar:

ClinVar aggregate classification (germline): Uncertain significance (1 of 4 stars; one submission).

Conditions:
Rubinstein-Taybi syndrome due to EP300 haploinsufficiency. Also called: EP300-Related Rubinstein-Taybi Syndrome; RUBINSTEIN-TAYBI SYNDROME 2. Identifiers: Orphanet 353284, Orphanet 783, MedGen C3150941, MONDO:0013364, OMIM 613684.

Submission:

Labcorp Genetics (formerly Invitae), Labcorp
Classification: Uncertain significance for Rubinstein-Taybi syndrome due to EP300 haploinsufficiency. Last evaluated: 2024-07-20. Review status: criteria provided, single submitter. Criteria: Invitae Variant Classification Sherloc (09022015). Collection method: clinical testing. Allele origin: germline.
Comment: This sequence change replaces proline, which is neutral and non-polar, with threonine, which is neutral and polar, at codon 125 of the EP300 protein (p.Pro125Thr). This variant is not present in population databases (gnomAD no frequency). This variant has not been reported in the literature in individuals affected with EP300-related conditions. Advanced modeling of protein sequence and biophysical properties (such as structural, functional, and spatial information, amino acid conservation, physicochemical variation, residue mobility, and thermodynamic stability) performed at Invitae indicates that this missense variant is not expected to disrupt EP300 protein function with a negative predictive value of 95%. In summary, the available evidence is currently insufficient to determine the role of this variant in disease. Therefore, it has been classified as a Variant of Uncertain Significance.

NM_001429.4(EP300):c.373C>A (p.Pro125Thr)

Gene: EP300 (EP300 lysine acetyltransferase; plus strand). Cytogenetic location: 22q13.2.
Variant type: single nucleotide variant.
Coding change: c.373C>A on transcript NM_001429.4 (MANE Select); coding-DNA position 373, C replaced by A.
Protein change: p.Pro125Thr; replaces proline 125 with threonine.
Molecular consequence: missense variant.
Genome position (GRCh38, 1-based): chr22:41,117,465, C>A. VCF-style: chr22-41117465-C-A. GRCh37 (hg19) VCF-style: chr22-41513469-C-A.
Other names: c.373C>A, p.Pro125Thr (NM_001362843.2); short protein forms P125T.
Identifiers: ClinVar variation 3637791 (VCV003637791.2).
Genomic context (GRCh38, chr22:41,117,465, plus strand): 5'-GCCAGCCAGGCCCAACAGAGCAGTCCTGGATTAGGTTTGATAAATAGCATGGTCAAAAGC[C>A]CAATGACACAGGCAGGCTTGACTTCTCCCAACATGGGGATGGGCACTAGTGGACCAAATC-3'
Protein context (NP_001420.2, residues 115-135): LGLINSMVKS[Pro125Thr]MTQAGLTSPN